The following is an entry in ClinVar:

NM_005732.4(RAD50):c.562G>T (p.Ala188Ser)

Gene: RAD50 (RAD50 double strand break repair protein; plus strand). Cytogenetic location: 5q31.1.
Variant type: single nucleotide variant.
Coding change: c.562G>T on transcript NM_005732.4 (MANE Select); coding-DNA position 562, G replaced by T.
Protein change: p.Ala188Ser; replaces alanine 188 with serine.
Molecular consequence: missense variant.
Genome position (GRCh38, 1-based): chr5:132,579,872, G>T. VCF-style: chr5-132579872-G-T. GRCh37 (hg19) VCF-style: chr5-131915564-G-T.
Other names: short protein forms A188S.
Identifiers: ClinVar variation 4862858 (VCV004862858.1).

ClinVar aggregate classification (germline): Uncertain significance (1 of 4 stars; one submission).

Conditions:
Hereditary cancer-predisposing syndrome. Also called: Neoplastic Syndromes, Hereditary; Tumor predisposition; Hereditary Cancer Syndrome; Hereditary neoplastic syndrome. Identifiers: Orphanet 140162, MedGen C0027672, MeSH D009386, MONDO:0015356.

Submission:

Ambry Genetics
Classification: Uncertain significance for Hereditary cancer-predisposing syndrome. Last evaluated: 2026-06-05. Review status: criteria provided, single submitter. Criteria: Ambry Variant Classification Scheme 2023. Collection method: clinical testing. Allele origin: germline.
Comment: The p.A188S variant (also known as c.562G>T), located in coding exon 5 of the RAD50 gene, results from a G to T substitution at nucleotide position 562. The alanine at codon 188 is replaced by serine, an amino acid with similar properties. This amino acid position is conserved. In addition, the in silico prediction for this alteration is inconclusive. Based on the available evidence, the clinical significance of this variant remains unclear.